The following is an entry in ClinVar:

NM_005076.5(CNTN2):c.943_944del (p.Asp315fs)

Gene: CNTN2 (contactin 2; plus strand). Cytogenetic location: 1q32.1.
Variant type: Microsatellite.
Coding change: c.943_944del on transcript NM_005076.5 (MANE Select); coding-DNA positions 943 to 944, 2 bases deleted (GA; older notation c.943_944delGA).
Protein change: p.Asp315fs; shifts the reading frame from aspartic acid 315.
Molecular consequence: frameshift variant. On other transcripts: non-coding transcript variant (1).
Genome position (GRCh38, 1-based): chr1:205,061,390-205,061,391, GA deleted; deleting any 2 consecutive bases within chr1:205,061,388-205,061,391 gives the same sequence; the c. name uses the placement nearest the transcript's 3' end. VCF-style (leftmost placement, unchanged base first): chr1-205061387-CGA-C. GRCh37 (hg19) VCF-style: chr1-205030515-CGA-C.
Other names: c.943_944del, p.Asp315fs (NM_001346083.2); short protein forms D315fs.
Identifiers: ClinVar variation 3727307 (VCV003727307.2).

ClinVar aggregate classification (germline): Pathogenic (1 of 4 stars; one submission).

Conditions:
Epilepsy, familial adult myoclonic, 5 (EPEO5). Also called: CORTICAL MYOCLONIC TREMOR WITH EPILEPSY, FAMILIAL, 5. Identifiers: Orphanet 86814, MedGen C3809374, MONDO:0014167, OMIM 615400.

Submission:

Labcorp Genetics (formerly Invitae), Labcorp
Classification: Pathogenic for Epilepsy, familial adult myoclonic, 5. Last evaluated: 2025-01-20. Review status: criteria provided, single submitter. Criteria: Invitae Variant Classification Sherloc (09022015). Collection method: clinical testing. Allele origin: germline.
Comment: This sequence change creates a premature translational stop signal (p.Asp315Hisfs*13) in the CNTN2 gene. It is expected to result in an absent or disrupted protein product. Loss-of-function variants in CNTN2 are known to be pathogenic (PMID: 11178983, 23518707). This variant is not present in population databases (gnomAD no frequency). This variant has not been reported in the literature in individuals affected with CNTN2-related conditions. For these reasons, this variant has been classified as Pathogenic.

Literature cited by the submitters: PubMed 11178983; PubMed 23518707.